The following is an entry in ClinVar:

NM_015295.3(SMCHD1):c.2107T>C (p.Leu703=)

Gene: SMCHD1 (structural maintenance of chromosomes flexible hinge domain containing 1; plus strand). Cytogenetic location: 18p11.32.
Variant type: single nucleotide variant.
Coding change: c.2107T>C on transcript NM_015295.3 (MANE Select); coding-DNA position 2107, T replaced by C.
Protein change: p.Leu703=; no amino-acid change (leucine 703 retained).
Molecular consequence: synonymous variant.
Genome position (GRCh38, 1-based): chr18:2,707,606, T>C. VCF-style: chr18-2707606-T-C. GRCh37 (hg19) VCF-style: chr18-2707604-T-C.
Identifiers: ClinVar variation 5039829 (VCV005039829.1).

ClinVar aggregate classification (germline): Likely benign (1 of 4 stars; one submission).

Submission:

CeGaT Center for Human Genetics Tuebingen
Classification: Likely benign. Last evaluated: 2026-08-01. Review status: criteria provided, single submitter. Criteria: CeGaT Center For Human Genetics Tuebingen Variant Classification Criteria Version 2. Collection method: clinical testing. Allele origin: germline. Affected: yes. Observed: 1 variant allele.
Comment: SMCHD1: PM2:Supporting, BP4, BP7